The following is an entry in ClinVar:

NM_001378609.3(OTOGL):c.4543C>T (p.Arg1515Ter)

Gene: OTOGL (otogelin like; plus strand). Cytogenetic location: 12q21.31.
Variant type: single nucleotide variant.
Coding change: c.4543C>T on transcript NM_001378609.3 (MANE Select); coding-DNA position 4543, C replaced by T.
Protein change: p.Arg1515Ter; replaces arginine 1515 with a stop codon.
Molecular consequence: nonsense.
Genome position (GRCh38, 1-based): chr12:80,336,083, C>T. VCF-style: chr12-80336083-C-T. GRCh37 (hg19) VCF-style: chr12-80729863-C-T.
Other names: c.4408C>T, p.Arg1470Ter (NM_001368062.3); c.4543C>T, p.Arg1515Ter (NM_001378610.3, NM_173591.7); short protein forms R1470*, R1515*.
Identifiers: ClinVar variation 2628997 (VCV002628997.21), dbSNP rs758437499, ClinGen allele CA6701415.
Genomic context (GRCh38, chr12:80,336,083, plus strand): 5'-CAGTTATACAACTGGTCCCTTAATTGCCCAAAGGACGTGGAAATGCCTGACTGTGGTTTC[C>T]GAGGAAGGCCAGTTCAAGTGAACAGTGATATCTGCTGCCCTGAGTGGGAATGTCCTTGTA-3'

ClinVar aggregate classification (germline): Pathogenic/Likely pathogenic. Review status: criteria provided, multiple submitters, no conflicts (2 of 4 stars). 7 submissions from 7 submitters: Pathogenic (3); Likely pathogenic (4). Last evaluated 2026-04-30.

Conditions:
Inborn genetic diseases. Identifiers: MedGen C0950123, MeSH D030342.
OTOGL-related disorder. Also called: OTOGL-related condition.
Autosomal recessive nonsyndromic hearing loss 84B. Also called: Deafness, autosomal recessive 84b. Identifiers: Orphanet 90636, MedGen C3554159, MONDO:0013984, OMIM 614944.

Allele frequency attached by ClinVar (database versions not stated): ExAC 0.00001; gnomAD 0.00001; gnomAD exomes 0.00004.
gnomAD v4.1: 66 of 1,598,488 alleles (0.0041%); highest among the groups gnomAD compares: Non-Finnish European, 0.0053%; no homozygotes.

Submissions (7):

Laboratory of Molecular, Cellular and Translation Genetics in Otolaryngology/ Lim32-hcfmusp, University of Sao Paulo School of Medicine Clinics Hospital
Classification: Likely pathogenic for Autosomal recessive nonsyndromic hearing loss 84B. Last evaluated: 2026-04-30. Review status: criteria provided, single submitter. Criteria: ACMG Guidelines, 2015. Collection method: research. Allele origin: germline. Affected: yes.
Comment: NM_001378609.3:c.4543C>T :p.(Arg1515*). This variant has been classified as likely pathogenic. It is rare in population databases (PM2_supporting) and represents a null (loss-of-function) variant in OTOGL, a gene in which loss of function is an established disease mechanism (PVS1) In the present cases, the variant was identified in compound heterozygosity with another likely pathogenic OTOGL variant—either NM_001378609.3.6787C>T (p.Arg2263*) or NM_001378609.3.6019+5G>A—in two probands affected by postlingual progressive hearing loss and prelingual progressive hearing loss, respectively. Together, these variants are considered causative of autosomal recessive hearing loss in these individuals as described in PMID: 42233699.

Ambry Genetics
Classification: Pathogenic for Inborn genetic diseases. Last evaluated: 2026-01-09. Review status: criteria provided, single submitter. Criteria: Ambry Variant Classification Scheme 2023. Collection method: clinical testing. Allele origin: germline.
Comment: The c.4516C>T (p.R1506*) alteration, located in exon 38 (coding exon 38) of the OTOGL gene, consists of a C to T substitution at nucleotide position 4516. This changes the amino acid from a arginine (R) to a stop codon at amino acid position 1506. This alteration is expected to result in loss of function by premature protein truncation or nonsense-mediated mRNA decay. Based on data from gnomAD, the T allele has an overall frequency of 0.004% (9/234118) total alleles studied. The highest observed frequency was 0.008% (9/109014) of European (non-Finnish) alleles. Based on the available evidence, this alteration is classified as pathogenic.

Labcorp Genetics (formerly Invitae), Labcorp
Classification: Pathogenic. Last evaluated: 2025-12-16. Review status: criteria provided, single submitter. Criteria: Invitae Variant Classification Sherloc (09022015). Collection method: clinical testing. Allele origin: germline.
Comment: This sequence change creates a premature translational stop signal (p.Arg1506*) in the OTOGL gene. It is expected to result in an absent or disrupted protein product. Loss-of-function variants in OTOGL are known to be pathogenic (PMID: 23122586). This variant is present in population databases (rs758437499, gnomAD 0.008%). This variant has not been reported in the literature in individuals affected with OTOGL-related conditions. ClinVar contains an entry for this variant (Variation ID: 2628997). For these reasons, this variant has been classified as Pathogenic.

Variantyx, Inc.
Classification: Likely pathogenic for Autosomal recessive nonsyndromic hearing loss 84B. Last evaluated: 2025-04-01. Review status: criteria provided, single submitter. Criteria: Variantyx Assertion Criteria 2022. Collection method: clinical testing. Allele origin: germline. Inheritance: Autosomal recessive inheritance. Affected: no.
Comment: This is a nonsense variant in the OTOGL gene (OMIM: 614925). Pathogenic variants in this gene have been associated with autosomal recessive deafness 84B. This variant introduces a premature termination codon in exon 39 out of 59 and is expected to result in loss of function, which is a known disease mechanism for OTOGL in this disorder (PMID: 23122586) (PVS1). This variant has a 0.0053% maximum allele frequency in non-founder control populations (PM2). Based on the current evidence, this variant is classified as likely pathogenic for autosomal recessive deafness 84B.

CeGaT Center for Human Genetics Tuebingen
Classification: Pathogenic. Last evaluated: 2024-09-01. Review status: criteria provided, single submitter. Criteria: CeGaT Center For Human Genetics Tuebingen Variant Classification Criteria Version 2. Collection method: clinical testing. Allele origin: germline. Affected: yes. Observed: 1 variant allele.
Comment: OTOGL: PVS1, PM2, PM3:Supporting

PreventionGenetics, part of Exact Sciences
Classification: Likely pathogenic for OTOGL-related condition. Last evaluated: 2023-05-31. Review status: criteria provided, single submitter. Criteria: ACMG Guidelines, 2015. Collection method: clinical testing. Allele origin: germline.
Comment: The OTOGL c.4516C>T variant is predicted to result in premature protein termination (p.Arg1506*). To our knowledge, this variant has not been reported in the literature. This variant is reported in 0.0083% of alleles in individuals of European (Non-Finnish) descent in gnomAD. Nonsense variants in OTOGL are expected to be pathogenic. This variant is interpreted as likely pathogenic.

Blueprint Genetics
Classification: Likely pathogenic for OTOGL-related disorders. Last evaluated: 2022-04-01. Review status: criteria provided, single submitter. Criteria: ACMG Guidelines, 2015. Collection method: clinical testing. Allele origin: germline. Affected: yes. Observed: 4 variant alleles.

Literature cited by the submitters: PubMed 42233699 (cited by Laboratory of Molecular, Cellular and Translation Genetics in Otolaryngology/ Lim32-hcfmusp, University of Sao Paulo School of Medicine Clinics Hospital); PubMed 23122586 (cited by Labcorp Genetics (formerly Invitae), Labcorp and Variantyx, Inc.).